The following is an entry in ClinVar:

NM_005482.3(PIGK):c.1181T>C (p.Ile394Thr)

Gene: PIGK (phosphatidylinositol glycan anchor biosynthesis class K; minus strand). Cytogenetic location: 1p31.1.
Variant type: single nucleotide variant.
Coding change: c.1181T>C on transcript NM_005482.3 (MANE Select); coding-DNA position 1181, T replaced by C.
Protein change: p.Ile394Thr; replaces isoleucine 394 with threonine.
Molecular consequence: missense variant.
Genome position (GRCh38, 1-based): chr1:77,092,381, A>G on the plus strand (T>C on the coding strand, the complement: PIGK is on the minus strand). VCF-style: chr1-77092381-A-G. GRCh37 (hg19) VCF-style: chr1-77558066-A-G.
Other names: short protein forms I394T.
Identifiers: ClinVar variation 2662526 (VCV002662526.2), dbSNP rs1653320341, ClinGen allele CA340860318.

ClinVar aggregate classification (germline): Uncertain significance (1 of 4 stars; one submission).

Allele frequency attached by ClinVar (database versions not stated): TOPMed 0.00002.
gnomAD v4.1: 1 of 1,489,074 alleles (0.000067%); no homozygotes.

Submission:

GeneDx
Classification: Uncertain significance. Last evaluated: 2024-04-01. Review status: criteria provided, single submitter. Criteria: GeneDx Variant Classification Process June 2021. Collection method: clinical testing. Allele origin: germline.
Comment: Not observed at significant frequency in large population cohorts (gnomAD); In silico analysis supports that this missense variant does not alter protein structure/function; Has not been previously published as pathogenic or benign to our knowledge